The following is an entry in ClinVar:

NM_000208.4(INSR):c.2354C>T (p.Ser785Leu)

Gene: INSR (insulin receptor; minus strand). Cytogenetic location: 19p13.2.
Variant type: single nucleotide variant.
Coding change: c.2354C>T on transcript NM_000208.4 (MANE Select); coding-DNA position 2354, C replaced by T.
Protein change: p.Ser785Leu; replaces serine 785 with leucine.
Molecular consequence: missense variant.
Genome position (GRCh38, 1-based): chr19:7,143,004, G>A on the plus strand (C>T on the coding strand, the complement: INSR is on the minus strand). VCF-style: chr19-7143004-G-A. GRCh37 (hg19) VCF-style: chr19-7143015-G-A.
Other names: c.2318C>T, p.Ser773Leu (NM_001079817.3); short protein forms S773L, S785L.
Identifiers: ClinVar variation 3631541 (VCV003631541.6).
Genomic context (GRCh38, chr19:7,143,004, plus strand): 5'-TCCTTGTTCACCACCTTCTCAAAAGGCCTGTGCTCCTCCGGACTCGTGGGCACGCTGGTC[G>A]AGGAAGTGTTGGGGAAAGCTGCCACCGTGGGCACGGCCACCGTCACATTCCCAACATCGC-3'
Protein context (NP_000199.2, residues 775-795): PTVAAFPNTS[Ser785Leu]TSVPTSPEEH

ClinVar aggregate classification (germline): Conflicting classifications of pathogenicity. Review status: criteria provided, conflicting classifications (1 of 4 stars). 2 submissions from 2 submitters: Uncertain significance (1); Likely benign (1). Last evaluated 2026-01-01.

gnomAD v4.1: 40 of 1,614,194 alleles (0.0025%); highest among the groups gnomAD compares: African/African-American, 0.019%; no homozygotes.

Submissions (2):

CeGaT Center for Human Genetics Tuebingen
Classification: Uncertain significance. Last evaluated: 2026-01-01. Review status: criteria provided, single submitter. Criteria: CeGaT Center For Human Genetics Tuebingen Variant Classification Criteria Version 2. Collection method: clinical testing. Allele origin: germline. Affected: yes. Observed: 1 variant allele.
Comment: INSR: PM2, BP4

Labcorp Genetics (formerly Invitae), Labcorp
Classification: Likely benign. Last evaluated: 2025-04-14. Review status: criteria provided, single submitter. Criteria: Invitae Variant Classification Sherloc (09022015). Collection method: clinical testing. Allele origin: germline.